The following is an entry in ClinVar:

NM_001854.4(COL11A1):c.612G>T (p.Thr204=)

Gene: COL11A1 (collagen type XI alpha 1 chain; minus strand). Cytogenetic location: 1p21.1.
Variant type: single nucleotide variant.
Coding change: c.612G>T on transcript NM_001854.4 (MANE Select); coding-DNA position 612, G replaced by T.
Protein change: p.Thr204=; no amino-acid change (threonine 204 retained).
Molecular consequence: synonymous variant. On other transcripts: non-coding transcript variant (1).
Genome position (GRCh38, 1-based): chr1:103,074,657, C>A on the plus strand (G>T on the coding strand, the complement: COL11A1 is on the minus strand). VCF-style: chr1-103074657-C-A. GRCh37 (hg19) VCF-style: chr1-103540213-C-A.
Other names: c.612G>T, p.Thr204= (NM_001190709.2, NM_080629.3, NM_080630.4).
Identifiers: ClinVar variation 1164537 (VCV001164537.18), dbSNP rs545867472, ClinGen allele CA975400.

ClinVar aggregate classification (germline): Benign/Likely benign. Review status: criteria provided, multiple submitters, no conflicts (2 of 4 stars). 7 submissions from 7 submitters: Benign (1); Likely benign (3). 3 of the submissions do not count toward it. Last evaluated 2026-05-12.

Conditions:
COL11A1-related disorder. Also called: COL11A1-related disorders; COL11A1-related condition.

Allele frequency attached by ClinVar (database versions not stated): 1000 Genomes Project 30x 0.00031; 1000 Genomes Project 0.00040.
gnomAD v4.1: 375 of 1,613,234 alleles (0.023%); highest among the groups gnomAD compares: South Asian, 0.4%; 5 homozygotes.

Submissions (7):

Women's Health and Genetics/Laboratory Corporation of America, LabCorp
Classification: Likely benign. Last evaluated: 2026-05-12. Review status: criteria provided, single submitter. Criteria: LabCorp Variant Classification Summary - May 2015. Collection method: clinical testing. Allele origin: germline.

Labcorp Genetics (formerly Invitae), Labcorp
Classification: Benign. Last evaluated: 2025-10-10. Review status: criteria provided, single submitter. Criteria: Invitae Variant Classification Sherloc (09022015). Collection method: clinical testing. Allele origin: germline.

Blueprint Genetics
Classification: Likely benign. Last evaluated: 2024-06-14. Review status: criteria provided, single submitter. Criteria: ACMG Guidelines, 2015. Collection method: clinical testing. Allele origin: germline.

GeneDx
Classification: Likely benign. Last evaluated: 2020-10-31. Review status: criteria provided, single submitter. Criteria: GeneDx Variant Classification Process June 2021. Collection method: clinical testing. Allele origin: germline. Affected: yes.

PreventionGenetics, part of Exact Sciences
Classification: Likely benign for COL11A1-related condition. Last evaluated: 2020-03-16. Review status: no assertion criteria provided. Collection method: clinical testing. Allele origin: germline. Not counted in ClinVar's aggregate classification.
Comment: This variant is classified as likely benign based on ACMG/AMP sequence variant interpretation guidelines (Richards et al. 2015 PMID: 25741868, with internal and published modifications).

Clinical Genetics DNA and cytogenetics Diagnostics Lab, Erasmus MC, Erasmus Medical Center
Classification: Likely benign. Review status: no assertion criteria provided. Collection method: clinical testing. Allele origin: germline. Affected: yes. Study: VKGL Data-share Consensus. Not counted in ClinVar's aggregate classification.

Clinical Genetics, Academic Medical Center
Classification: Likely benign. Review status: no assertion criteria provided. Collection method: clinical testing. Allele origin: germline. Affected: yes. Study: VKGL Data-share Consensus. Not counted in ClinVar's aggregate classification.